The following is an entry in ClinVar:

NM_015557.3(CHD5):c.5252A>G (p.His1751Arg)

Gene: CHD5 (chromodomain helicase DNA binding protein 5; minus strand). Cytogenetic location: 1p36.31.
Variant type: single nucleotide variant.
Coding change: c.5252A>G on transcript NM_015557.3 (MANE Select); coding-DNA position 5252, A replaced by G.
Protein change: p.His1751Arg; replaces histidine 1751 with arginine.
Molecular consequence: missense variant.
Genome position (GRCh38, 1-based): chr1:6,110,524, T>C on the plus strand (A>G on the coding strand, the complement: CHD5 is on the minus strand). VCF-style: chr1-6110524-T-C. GRCh37 (hg19) VCF-style: chr1-6170584-T-C.
Other names: short protein forms H1751R.
Identifiers: ClinVar variation 2572187 (VCV002572187.1), dbSNP rs2525329310, ClinGen allele CA338065765.

ClinVar aggregate classification (germline): Uncertain significance (1 of 4 stars; one submission).

Submission:

Greenwood Genetic Center Diagnostic Laboratories, Greenwood Genetic Center
Classification: Uncertain significance. Last evaluated: 2023-05-02. Review status: criteria provided, single submitter. Criteria: ACMG Guidelines, 2015. Collection method: clinical testing. Allele origin: germline. Affected: yes.
Comment: PM2, PP2, PP3